The following is an entry in ClinVar:

ClinVar aggregate classification (germline): Conflicting classifications of pathogenicity. Review status: criteria provided, conflicting classifications (1 of 4 stars). 3 submissions from 3 submitters: Uncertain significance (2); Likely benign (1). Last evaluated 2024-06-03.

Conditions:
Cardiovascular phenotype. Identifiers: MedGen CN230736.
Catecholaminergic polymorphic ventricular tachycardia 1. Also called: VENTRICULAR TACHYCARDIA, STRESS-INDUCED POLYMORPHIC 1; VENTRICULAR TACHYCARDIA, CATECHOLAMINERGIC POLYMORPHIC, 1, WITH OR WITHOUT ATRIAL DYSFUNCTION AND/OR DILATED CARDIOMYOPATHY; RYR2-Related Catecholaminergic Polymorphic Ventricular Tachycardia. Identifiers: Orphanet 3286, MedGen C1631597, MONDO:0011484, OMIM 604772.
Cardiomyopathy (CMYO). Also called: Cardiomyopathies. Identifiers: Orphanet 167848, MedGen C0878544, MONDO:0004994, HP:0001638. Inheritance: Various modes of inheritance.

Allele frequency attached by ClinVar (database versions not stated): gnomAD exomes 0.00001; gnomAD 0.00002; TOPMed 0.00002; ExAC 0.00003.
gnomAD v4.1: 18 of 1,611,372 alleles (0.0011%); highest among the groups gnomAD compares: African/African-American, 0.0013%; no homozygotes.

Submissions (3):

Color Diagnostics, LLC DBA Color Health
Classification: Uncertain significance for Cardiomyopathy. Last evaluated: 2024-06-03. Review status: criteria provided, single submitter. Criteria: ACMG Guidelines, 2015. Collection method: clinical testing. Allele origin: germline.
Comment: This missense variant replaces threonine with methionine at codon 2914 of the RYR2 protein. Computational prediction suggests that this variant may not impact protein structure and function (internally defined REVEL score threshold <= 0.5, PMID: 27666373). To our knowledge, functional studies have not been reported for this variant. This variant has been reported in a sudden cardiac arrest survivor who was suspected of having catecholaminergic polymorphic ventricular tachycardia (PMID: 30975432), and in an individual affected with recurrent ventricular tachyarrhythmia (PMID: 31624606). This variant has been identified in 4/248666 chromosomes in the general population by the Genome Aggregation Database (gnomAD). The available evidence is insufficient to determine the role of this variant in disease conclusively. Therefore, this variant is classified as a Variant of Uncertain Significance.

Ambry Genetics
Classification: Uncertain significance for Cardiovascular phenotype. Last evaluated: 2023-11-28. Review status: criteria provided, single submitter. Criteria: Ambry Variant Classification Scheme 2023. Collection method: clinical testing. Allele origin: germline.
Comment: The p.T2914M variant (also known as c.8741C>T), located in coding exon 60 of the RYR2 gene, results from a C to T substitution at nucleotide position 8741. The threonine at codon 2914 is replaced by methionine, an amino acid with similar properties. This variant has been detected in an individual with recurrent ventricular tachyarrhythmias in the setting of hyperparathyroidism caused by a parathyroid adenoma (Pedersen CM et al. Clin Case Rep, 2019 Oct;7:1907-1912). This amino acid position is well conserved in available vertebrate species. In addition, this alteration is predicted to be tolerated by in silico analysis. Since supporting evidence is limited at this time, the clinical significance of this alteration remains unclear.

Labcorp Genetics (formerly Invitae), Labcorp
Classification: Likely benign for Catecholaminergic polymorphic ventricular tachycardia 1. Last evaluated: 2022-11-22. Review status: criteria provided, single submitter. Criteria: Invitae Variant Classification Sherloc (09022015). Collection method: clinical testing. Allele origin: germline.

Literature cited by the submitters: PubMed 30975432 (cited by Color Diagnostics, LLC DBA Color Health and Ambry Genetics); PubMed 31624606 (cited by Color Diagnostics, LLC DBA Color Health and Ambry Genetics).

NM_001035.3(RYR2):c.8741C>T (p.Thr2914Met)

Gene: RYR2 (ryanodine receptor 2; plus strand). Cytogenetic location: 1q43.
Variant type: single nucleotide variant.
Coding change: c.8741C>T on transcript NM_001035.3 (MANE Select); coding-DNA position 8741, C replaced by T.
Protein change: p.Thr2914Met; replaces threonine 2914 with methionine.
Molecular consequence: missense variant.
Genome position (GRCh38, 1-based): chr1:237,674,757, C>T. VCF-style: chr1-237674757-C-T. GRCh37 (hg19) VCF-style: chr1-237838057-C-T.
Other names: c.8741C>T (NM_001035.2); short protein forms T2914M.
Identifiers: ClinVar variation 2199953 (VCV002199953.6), dbSNP rs766484260, ClinGen allele CA087719.